The following is an entry in ClinVar:

NM_015466.4(PTPN23):c.2216G>A (p.Gly739Glu)

Gene: PTPN23 (protein tyrosine phosphatase non-receptor type 23; plus strand). Cytogenetic location: 3p21.31.
Variant type: single nucleotide variant.
Coding change: c.2216G>A on transcript NM_015466.4 (MANE Select); coding-DNA position 2216, G replaced by A.
Protein change: p.Gly739Glu; replaces glycine 739 with glutamic acid.
Molecular consequence: missense variant.
Genome position (GRCh38, 1-based): chr3:47,410,014, G>A. VCF-style: chr3-47410014-G-A. GRCh37 (hg19) VCF-style: chr3-47451504-G-A.
Other names: c.1838G>A, p.Gly613Glu (NM_001304482.2); c.2216G>A (NM_015466.2); short protein forms G739E, G613E.
Identifiers: ClinVar variation 1432035 (VCV001432035.6), dbSNP rs374300530, ClinGen allele CA2365976.

ClinVar aggregate classification (germline): Uncertain significance. Review status: criteria provided, multiple submitters, no conflicts (2 of 4 stars). 2 submissions from 2 submitters: Uncertain significance (2). Last evaluated 2025-03-27.

Conditions:
Inborn genetic diseases. Identifiers: MedGen C0950123, MeSH D030342.

Allele frequency attached by ClinVar (database versions not stated): gnomAD exomes 0.00003 and 0.00002; TOPMed 0.00002; ExAC 0.00003; gnomAD 0.00003; ESP Exome Variant Server 0.00008.
gnomAD v4.1: 34 of 1,608,364 alleles (0.0021%); highest among the groups gnomAD compares: African/African-American, 0.004%; no homozygotes.

Submissions (2):

Ambry Genetics
Classification: Uncertain significance for Inborn genetic diseases. Last evaluated: 2025-03-27. Review status: criteria provided, single submitter. Criteria: Ambry Variant Classification Scheme 2023. Collection method: clinical testing. Allele origin: germline.

Labcorp Genetics (formerly Invitae), Labcorp
Classification: Uncertain significance. Last evaluated: 2022-02-05. Review status: criteria provided, single submitter. Criteria: Invitae Variant Classification Sherloc (09022015). Collection method: clinical testing. Allele origin: germline.
Comment: This sequence change replaces glycine, which is neutral and non-polar, with glutamic acid, which is acidic and polar, at codon 739 of the PTPN23 protein (p.Gly739Glu). This variant is present in population databases (rs374300530, gnomAD 0.007%). This variant has not been reported in the literature in individuals affected with PTPN23-related conditions. Algorithms developed to predict the effect of missense changes on protein structure and function are either unavailable or do not agree on the potential impact of this missense change (SIFT: "Tolerated"; PolyPhen-2: "Not Available"; Align-GVGD: "Class C0"). In summary, the available evidence is currently insufficient to determine the role of this variant in disease. Therefore, it has been classified as a Variant of Uncertain Significance.